The following is an entry in ClinVar:

ClinVar aggregate classification (germline): Benign. Review status: criteria provided, multiple submitters, no conflicts (2 of 4 stars). 5 submissions from 5 submitters: Benign (4). 1 of the submissions does not count toward it. Last evaluated 2026-02-04.

Allele frequency attached by ClinVar (database versions not stated): ESP Exome Variant Server 0.07007; gnomAD 0.08483 and 0.09232; TOPMed 0.08966; gnomAD exomes 0.10178 and 0.13572; ExAC 0.13114; 1000 Genomes Project 30x 0.13570; 1000 Genomes Project 0.13918.

Submissions (5):

Labcorp Genetics (formerly Invitae), Labcorp
Classification: Benign. Last evaluated: 2026-02-04. Review status: criteria provided, single submitter. Criteria: Invitae Variant Classification Sherloc (09022015). Collection method: clinical testing. Allele origin: germline.

GeneDx
Classification: Benign. Last evaluated: 2015-12-02. Review status: criteria provided, single submitter. Criteria: GeneDx Variant Classification (06012015). Collection method: clinical testing. Allele origin: germline. Affected: yes.
Comment: This variant is considered likely benign or benign based on one or more of the following criteria: it is a conservative change, it occurs at a poorly conserved position in the protein, it is predicted to be benign by multiple in silico algorithms, and/or has population frequency not consistent with disease.

Breakthrough Genomics
Classification: Benign. Review status: criteria provided, single submitter. Criteria: ACMG Guidelines, 2015. Collection method: not provided. Allele origin: germline. Inheritance: Autosomal recessive inheritance. Affected: yes.

PreventionGenetics, part of Exact Sciences
Classification: Benign. Review status: criteria provided, single submitter. Criteria: ACMG Guidelines, 2015. Collection method: clinical testing. Allele origin: germline.

Mayo Clinic Laboratories, Mayo Clinic
Classification: Benign. Last evaluated: 2016-02-23. Review status: no assertion criteria provided. Collection method: clinical testing. Allele origin: unknown. Not counted in ClinVar's aggregate classification.

NM_001080449.3(DNA2):c.357G>A (p.Leu119=)

Gene: DNA2 (DNA replication helicase/nuclease 2; minus strand). Cytogenetic location: 10q21.3.
Variant type: single nucleotide variant.
Coding change: c.357G>A on transcript NM_001080449.3 (MANE Select); coding-DNA position 357, G replaced by A.
Protein change: p.Leu119=; no amino-acid change (leucine 119 retained).
Molecular consequence: synonymous variant. On other transcripts: non-coding transcript variant (1).
Genome position (GRCh38, 1-based): chr10:68,468,207, C>T on the plus strand (G>A on the coding strand, the complement: DNA2 is on the minus strand). VCF-style: chr10-68468207-C-T. GRCh37 (hg19) VCF-style: chr10-70227964-C-T.
Identifiers: ClinVar variation 257345 (VCV000257345.13), dbSNP rs10998205, ClinGen allele CA5525320.
Genomic context (GRCh38, chr10:68,468,207, plus strand): 5'-TCTTCTCATACATCGAATACTACTGGCTATGCTGGTGCCAGAAATCAGCATGTCTGGATA[C>T]AGAATCAAATATCCAAAATCTTTATCTATTATCCAAGTGTCAGATGTGCAGTCTCCCTCC-3'
Protein context (NP_001073918.2, residues 109-129): IIDKDFGYLI[Leu119=]YPDMLISGTS